The following is an entry in ClinVar:

NM_000062.3(SERPING1):c.285del (p.Thr96fs)

Gene: SERPING1 (serpin family G member 1; plus strand). Cytogenetic location: 11q12.1.
Variant type: Deletion.
Coding change: c.285del on transcript NM_000062.3 (MANE Select); coding-DNA position 285, one base deleted (C; older notation c.285delC).
Protein change: p.Thr96fs; shifts the reading frame from threonine 96.
Molecular consequence: frameshift variant.
Genome position (GRCh38, 1-based): chr11:57,600,112, C deleted; the last of 2 consecutive C bases (chr11:57,600,111-57,600,112); deleting either gives the same sequence. VCF-style (leftmost placement, unchanged base first): chr11-57600110-AC-A. GRCh37 (hg19) VCF-style: chr11-57367583-AC-A.
Other names: c.285delC (NM_000062.3); c.285del, p.Thr96fs (NM_001032295.2); short protein forms T96fs.
Identifiers: ClinVar variation 3257745 (VCV003257745.2).

ClinVar aggregate classification (germline): Pathogenic (1 of 4 stars; one submission).

Conditions:
Hereditary angioedema type 1 (HAE1). Identifiers: Orphanet 100050, Orphanet 100051, Orphanet 91378, MedGen C2717906, MONDO:0015053, OMIM 106100.

Submission:

DNA-diagnostics Laboratory, Research Centre For Medical Genetics
Classification: Pathogenic for Hereditary angioedema type 1. Last evaluated: 2024-08-03. Review status: criteria provided, single submitter. Criteria: ACMG Guidelines, 2015. Collection method: research. Allele origin: germline. Inheritance: Autosomal dominant inheritance. Affected: yes. Observed: 2 variant alleles, 2 heterozygotes. Clinical features observed: Angioedema (HP:0100665), C1 esterase inhibitor deficiency.
Comment: According to our observation, the c.285delC variant in SERPING1 meets ACMG/ClinGen SVI guidance criteria to be classified as pathogenic: PVS1, PP4_Str, PM2_Sup, PP1